The following is an entry in ClinVar:

NM_001012301.4(ARSI):c.684C>T (p.Pro228=)

Gene: ARSI (arylsulfatase family member I; minus strand). Cytogenetic location: 5q32.
Variant type: single nucleotide variant.
Coding change: c.684C>T on transcript NM_001012301.4 (MANE Select); coding-DNA position 684, C replaced by T.
Protein change: p.Pro228=; no amino-acid change (proline 228 retained).
Molecular consequence: synonymous variant.
Genome position (GRCh38, 1-based): chr5:150,298,240, G>A on the plus strand (C>T on the coding strand, the complement: ARSI is on the minus strand). VCF-style: chr5-150298240-G-A. GRCh37 (hg19) VCF-style: chr5-149677803-G-A.
Identifiers: ClinVar variation 533757 (VCV000533757.25), dbSNP rs112896077, ClinGen allele CA3510275.

ClinVar aggregate classification (germline): Benign/Likely benign. Review status: criteria provided, multiple submitters, no conflicts (2 of 4 stars). 2 submissions from 2 submitters: Benign (1); Likely benign (1). Last evaluated 2026-01-27.

Conditions:
Spastic paraplegia. Identifiers: MedGen C0037772, HP:0001258.

Allele frequency attached by ClinVar (database versions not stated): 1000 Genomes Project 0.00100; 1000 Genomes Project 30x 0.00109; TOPMed 0.00250; ESP Exome Variant Server 0.00261; gnomAD 0.00281 and 0.00288; gnomAD exomes 0.00303 and 0.00318; ExAC 0.00317.

Submissions (2):

Labcorp Genetics (formerly Invitae), Labcorp
Classification: Benign for Spastic paraplegia. Last evaluated: 2026-01-27. Review status: criteria provided, single submitter. Criteria: Invitae Variant Classification Sherloc (09022015). Collection method: clinical testing. Allele origin: germline.

CeGaT Center for Human Genetics Tuebingen
Classification: Likely benign. Last evaluated: 2024-12-01. Review status: criteria provided, single submitter. Criteria: CeGaT Center For Human Genetics Tuebingen Variant Classification Criteria Version 2. Collection method: clinical testing. Allele origin: germline. Affected: yes. Observed: 1 variant allele.
Comment: ARSI: BP4, BP7